The following continues an entry in ClinVar:

NM_001267550.2(TTN):c.107377+1G>A

ClinVar aggregate classification (germline): Pathogenic/Likely pathogenic. Pathogenic (14); Likely pathogenic (6).

Submissions 7 to 20 of 20:

Ambry Genetics
Classification: Pathogenic for Cardiovascular phenotype. Last evaluated: 2025-08-04. Review status: criteria provided, single submitter. Criteria: Ambry Variant Classification Scheme 2023. Collection method: clinical testing. Allele origin: germline.
Comment: The c.80182+1G>A intronic pathogenic mutation results from a G to A substitution one nucleotide after coding exon 188 of the TTN gene. Coding exon 188 is located in the M-band region of the N2-B isoform of the titin protein and is constitutively expressed in TTN transcripts (percent spliced in or PSI 100%). This nucleotide position is highly conserved in available vertebrate species. In silico splice site analysis predicts that this alteration will weaken the native splice donor site. This variant (also referred to as NM_001267550.1:c.107377+1G>A) has been reported to co-occur in trans and with phase unknown with other TTN truncating variants in unrelated and related individuals with skeletal myopathies with or without cardiac involvement and an individual from a dilated cardiomyopathy cohort (Roberts AM et al. Sci Transl Med, 2015 Jan;7:270ra6; Harris E et al. Neuromuscul Disord, 2017 Nov;27:1009-1017; Savarese M et al. JAMA Neurol, 2018 May;75:557-565; Savarese M et al. Genet Med, 2020 Dec;22:2029-2040). Functional studies have also indicated this variant to result in aberrant splicing (Harris E et al. Neuromuscul Disord, 2017 Nov;27:1009-1017). This alteration disrupts the canonical splice site and is expected to cause aberrant splicing, resulting in an abnormal protein or a transcript that is subject to nonsense-mediated mRNA decay. While loss of function variants in TTN are present in 1-3% of the general population, truncating variants (a category that includes canonical splice site variants) in the M-band have been reported in association with autosomal recessive titinopathies, primarily presenting with skeletal myopathy phenotypes (Ceyhan-Birsoy O et al. Neurology. 2013 Oct 1;81(14):1205-14; De Cid R et al. Neurology. 2015;85(24):2126-35). In addition, regardless of their position, TTN truncating variants encoded in constitutive exons (PSI >90%) have been found to be significantly associated with dilated cardiomyopathy (DCM), though truncating variants in the A-band are the most common cause of DCM (Herman DS et al. N. Engl. J. Med., 2012 Feb;366:619-28; Roberts AM et al. Sci Transl Med, 2015 Jan;7:270ra6; Schafer S et al. Nat. Genet., 2017 01;49:46-53). Based on the majority of available evidence to date, this variant is pathogenic in association with autosomal recessive titinopathy; however, the clinical significance of this alteration with respect to cardiomyopathy remains unclear.

Division of Genetic & Genomic Pathology, Hong Kong Children's Hospital
Classification: Likely pathogenic for TTN-related myopathy. Last evaluated: 2025-03-04. Review status: criteria provided, single submitter. Criteria: ACMG Guidelines, 2015. Collection method: clinical testing. Allele origin: germline. Affected: yes.
Comment: TTN c.107377+1G>A p.? is a splicing variant located in intron 361 out of 363 exons in the meta-transcript affecting the canonical donor splice site. The variant is located at the M-band region and is predicted to affect the principle cardiac long isoform (N2BA), the principle cardiac short isoform (N2B), and the soleus / skeletal long isoform (N2A). This variant is present at a low frequency in population controls (gnomAD v4.1.0: 1 in 44,866 alleles in East Asian and 58/1,613,396 in all populations; 0 homozygotes). It has been reported in trans with other truncating TTN variants in multiple patients with clinical myopathy (PMID: 28716623, 29435569, 28877744, 37407718). Muscle cDNA analysis showed the variant may cause aberrant splicing (PMID: 29435569, 37407718). The variant has been deposited in ClinVar with conflicting classification (10 (likely) pathogenic submissions and 1 uncertain significance submission; ClinVar Accession: VCV000196723.32). For these reasons, TTN c.107377+1G>A p.? is classified as likely pathogenic. This variant is in trans with another likely pathogenic variant.

PreventionGenetics, part of Exact Sciences
Classification: Pathogenic for TTN-related condition. Last evaluated: 2025-01-02. Review status: criteria provided, single submitter. Criteria: ACMG Guidelines, 2015. Collection method: clinical testing. Allele origin: germline.
Comment: The TTN c.107377+1G>A variant is predicted to disrupt the GT donor site and interfere with normal splicing. This variant has been reported in the compound heterozygous state several unrelated individuals with autosomal recessive TTN-related disorders (Savarese M et al 2014. PubMed ID: 25214167; Harris E et al 2017. PubMed ID: 28716623). This variant was also detected in a patient with end stage dilated cardiomyopathy in a large cohort study (Roberts AM et al 2015. PubMed ID: 25589632). However, adult heterozygous carriers of the c.107377+1G>A variant have also been observed without any known cardiac-related phenotypes (Harris E et al 2017. PubMed ID: 28716623). Another study observed this variant in 20 individuals from the general population; however, its not clear whether those individuals were affected with dilated cardiomyopathy or related phenotypes (Bourfiss et al. 2022. PubMed ID: 36264615). cDNA analysis from patient muscle indicates that this variant results in two different aberrant transcripts (Harris E et al 2017. PubMed ID: 28716623). An alternate nucleotide substitution impacting the same splice site (c.107377+1G>C) has been reported in patients affected with autosomal recessive TTN-related disorders and was found to result in retention of intron 362 through cDNA analysis (Wang et al. 2023. PubMed ID: 37400718). Additionally, the c.10377+1G>A variant identified in this individual is located in the M-band region of the TTN protein. The M-band region (Mex1-Mex6) has historically been found to harbor a significant number of pathogenic variants for TTN-related muscle disorders (Hackman et al. 2002. PMID: 12145747; Evilä et al. 2014. PMID: 24395473). In summary, the c.107377+1G>A is categorized as pathogenic.

GeneDx
Classification: Pathogenic. Last evaluated: 2024-12-27. Review status: criteria provided, single submitter. Criteria: GeneDx Variant Classification Process June 2021. Collection method: clinical testing. Allele origin: germline. Affected: yes.
Comment: Canonical splice site variant for which RNA studies demonstrate alteration of normal gene transcription and expression (PMID: 28716623); Located in the M-band, a region of TTN for which truncating variants are significantly associated with autosomal recessive skeletal myopathies and also with autosomal dominant cardiomyopathy (PMID: 17444505, 32778822, 36637017); Reported in the heterozygous state in a patient with dilated cardiomyopathy who did not harbor a second TTN variant (PMID: 25589632); Not observed at significant frequency in large population cohorts (gnomAD); This variant is associated with the following publications: (PMID: 32778822, 25214167, 32039858, 31691645, 28716623, 29435569, 35081925, 35177841, 34135346, 36761691, 36264615, 25589632, 17444505, 36637017)

Revvity Omics, Revvity
Classification: Pathogenic. Last evaluated: 2024-03-08. Review status: criteria provided, single submitter. Criteria: ACMG Guidelines, 2015. Collection method: clinical testing. Allele origin: germline.

Mayo Clinic Laboratories, Mayo Clinic
Classification: Pathogenic. Last evaluated: 2022-12-22. Review status: criteria provided, single submitter. Criteria: ACMG Guidelines, 2015. Collection method: clinical testing. Allele origin: germline. Observed: 1 variant allele.
Comment: PP1, PM3_strong, PVS1

AiLife Diagnostics
Classification: Pathogenic. Last evaluated: 2021-10-05. Review status: criteria provided, single submitter. Criteria: ACMG Guidelines, 2015. Collection method: clinical testing. Allele origin: germline. Affected: yes. Observed: 1 variant allele.

Fulgent Genetics
Classification: Pathogenic for Tibial muscular dystrophy; Myopathy, myofibrillar, 9, with early respiratory failure; Dilated cardiomyopathy 1G; Autosomal recessive limb-girdle muscular dystrophy type 2J; Early-onset myopathy with fatal cardiomyopathy; Hypertrophic cardiomyopathy 9. Last evaluated: 2021-09-15. Review status: criteria provided, single submitter. Criteria: ACMG Guidelines, 2015. Collection method: clinical testing. Allele origin: unknown.

Blueprint Genetics
Classification: Pathogenic for TTN-related disorders. Last evaluated: 2021-02-01. Review status: criteria provided, single submitter. Criteria: ACMG Guidelines, 2015. Collection method: clinical testing. Allele origin: germline. Affected: yes. Observed: 5 variant alleles.

Laboratory for Molecular Medicine, Mass General Brigham Personalized Medicine
Classification: Pathogenic for Neuromuscular disease. Last evaluated: 2019-04-12. Review status: criteria provided, single submitter. Criteria: ACMG Guidelines, 2015. Collection method: clinical testing. Allele origin: germline. Inheritance: Autosomal recessive inheritance.
Comment: The c.99673+1G>A variant in TTN, reported in the literature as c.107377+1G>A (NM_001267550.1), has been identified in the compound heterozygous state with truncating A-band variants in 3 individuals with limb girdle muscular dystrophy (LGMD) and 1 individual with mild progressive muscle weakness and dilated cardiomyopathy (DCM) and segregated with disease in 1 affected sibling. The heterozygous parents of these individuals were all reportedly unaffected (Harris 2017, Savarese 2018). It has been reported in the heterozygous state in 1 individual with DCM (Roberts 2015). It has also been identified in 3/248508 chromosomes by gnomAD and has been reported in ClinVar (Variation ID # 196723). This variant occurs within the canonical splice site (+/- 1,2) and is predicted to cause altered splicing leading to an abnormal or absent protein. In addition, cDNA and Western blot analysis of patient cells demonstrated an impact to splicing (Harris 2017, Savarese 2018). Based on the available evidence, it is not clear if this variant is causative of autosomal dominant DCM, which is usually associated with truncating variants in the A-band. However, this variant meets criteria to be classified as pathogenic for autosomal recessive LGMD. ACMG/AMP criteria applied: PM3_Strong, PM2, PVS1_Moderate, PP1, PS3_Supporting.

Eurofins Ntd Llc (ga)
Classification: Pathogenic. Last evaluated: 2018-08-20. Review status: criteria provided, single submitter. Criteria: EGL ClinVar v180209 classification definitions. Collection method: clinical testing. Allele origin: germline. Observed: 3 variant alleles, 3 heterozygotes.

Athena Diagnostics
Classification: Pathogenic. Last evaluated: 2016-09-06. Review status: criteria provided, single submitter. Criteria: Athena Diagnostics Criteria. Collection method: clinical testing. Allele origin: germline.

Cardiovascular Biomedical Research Unit, Royal Brompton & Harefield NHS Foundation Trust
Classification: Likely pathogenic for Primary dilated cardiomyopathy. Last evaluated: 2014-10-08. Review status: criteria provided, single submitter. Criteria: Roberts et al. 2015. Collection method: research. Allele origin: germline. Inheritance: Autosomal dominant inheritance. Affected: yes. Observed: 1 variant allele. Study: Endstage DCM.
Comment: In the seven cohorts assessed, TTNtv were found in 14% of ambulant DCM, 22% end-stage or familial DCM, and 2% controls. Heterozygous nonsense, frameshift and canonical splice-disrupting variants found in constitutive and other highly utilised exons are highly likely to be pathogenic when identified in individuals with phenotypically confirmed DCM. TTNtv found incidentally in healthy individuals (excluding familial assessment of DCM relatives) are thought to have low penetrance, particularly when identified in exons that are not constitutively expressed in the heart.

Juno Genomics, Hangzhou Juno Genomics, Inc
Classification: Likely pathogenic for Myopathy, myofibrillar, 9, with early respiratory failure; Tibial muscular dystrophy; Early-onset myopathy with fatal cardiomyopathy; Dilated cardiomyopathy 1G; Hypertrophic cardiomyopathy 9; Autosomal recessive limb-girdle muscular dystrophy type 2J. Review status: criteria provided, single submitter. Criteria: ACMG Guidelines, 2015. Collection method: clinical testing. Allele origin: germline.
Comment: Null variant in a gene where loss of function (LOF) is a known mechanism of disease.;Absent from controls (or at extremely low frequency if recessive) in Genome Aggregation Database.

Literature cited by the submitters: PubMed 29435569 (cited by 7 submitters); PubMed 25214167 (cited by 5 submitters); PubMed 25589632 (cited by 6 submitters); PubMed 28716623 (cited by 7 submitters); PubMed 35081925 (cited by 3 submitters); PubMed 18948003 (cited by Labcorp Genetics (formerly Invitae), Labcorp); PubMed 23975875 (cited by Labcorp Genetics (formerly Invitae), Labcorp); PubMed 24395473 (cited by Labcorp Genetics (formerly Invitae), Labcorp); PubMed 27869827 (cited by Labcorp Genetics (formerly Invitae), Labcorp); PubMed 32964742 (cited by Labcorp Genetics (formerly Invitae), Labcorp); PubMed 32039858 (cited by Ambry Genetics and AiLife Diagnostics); PubMed 32778822 (cited by 3 submitters); PubMed 28877744 (cited by Division of Genetic & Genomic Pathology, Hong Kong Children's Hospital); PubMed 37407718 (cited by Division of Genetic & Genomic Pathology, Hong Kong Children's Hospital).